The following is an entry in ClinVar:

NM_001036.6(RYR3):c.13744C>G (p.Leu4582Val)

Genes: AVEN (apoptosis and caspase activation inhibitor; minus strand), RYR3 (ryanodine receptor 3; plus strand), LOC126862094 (CDK7 strongly-dependent group 2 enhancer GRCh37_chr15:34145183-34146382; plus strand). Cytogenetic location: 15q14.
Variant type: single nucleotide variant.
Coding change: c.13744C>G on transcript NM_001036.6 (MANE Select); coding-DNA position 13744, C replaced by G.
Protein change: p.Leu4582Val; replaces leucine 4582 with valine.
Molecular consequence: missense variant.
Genome position (GRCh38, 1-based): chr15:33,853,627, C>G. VCF-style: chr15-33853627-C-G. GRCh37 (hg19) VCF-style: chr15-34145828-C-G.
Other names: c.13729C>G, p.Leu4577Val (NM_001243996.4); short protein forms L4577V, L4582V.
Identifiers: ClinVar variation 1445869 (VCV001445869.8), dbSNP rs559236938, ClinGen allele CA7461753.

ClinVar aggregate classification (germline): Uncertain significance (1 of 4 stars; one submission).

Conditions:
Epileptic encephalopathy. Identifiers: MedGen C0543888, HP:0200134.

Allele frequency attached by ClinVar (database versions not stated): gnomAD exomes below 0.00001; ExAC 0.00001; gnomAD 0.00001; 1000 Genomes Project 0.00020; 1000 Genomes Project 30x 0.00031.
gnomAD v4.1: 2 of 1,613,944 alleles (0.00012%); highest among the groups gnomAD compares: African/African-American, 0.0027%; no homozygotes.

Submission:

Labcorp Genetics (formerly Invitae), Labcorp
Classification: Uncertain significance for Epileptic encephalopathy. Last evaluated: 2022-02-02. Review status: criteria provided, single submitter. Criteria: Invitae Variant Classification Sherloc (09022015). Collection method: clinical testing. Allele origin: germline.
Comment: In summary, the available evidence is currently insufficient to determine the role of this variant in disease. Therefore, it has been classified as a Variant of Uncertain Significance. Algorithms developed to predict the effect of missense changes on protein structure and function are either unavailable or do not agree on the potential impact of this missense change (SIFT: "Deleterious"; PolyPhen-2: "Benign"; Align-GVGD: "Class C0"). This variant has not been reported in the literature in individuals affected with RYR3-related conditions. This variant is present in population databases (rs559236938, gnomAD 0.007%). This sequence change replaces leucine, which is neutral and non-polar, with valine, which is neutral and non-polar, at codon 4582 of the RYR3 protein (p.Leu4582Val).